The following is an entry in ClinVar:

NM_002645.4(PIK3C2A):c.3316A>G (p.Ile1106Val)

Gene: PIK3C2A (phosphatidylinositol-4-phosphate 3-kinase catalytic subunit type 2 alpha; minus strand). Cytogenetic location: 11p15.1.
Variant type: single nucleotide variant.
Coding change: c.3316A>G on transcript NM_002645.4 (MANE Select); coding-DNA position 3316, A replaced by G.
Protein change: p.Ile1106Val; replaces isoleucine 1106 with valine.
Molecular consequence: missense variant.
Genome position (GRCh38, 1-based): chr11:17,114,366, T>C on the plus strand (A>G on the coding strand, the complement: PIK3C2A is on the minus strand). VCF-style: chr11-17114366-T-C. GRCh37 (hg19) VCF-style: chr11-17135913-T-C.
Other names: c.3316A>G, p.Ile1106Val (NM_001321378.2); c.2176A>G, p.Ile726Val (NM_001321380.2); c.3148A>G, p.Ile1050Val (NM_001386870.1); short protein forms I1106V, I1050V, I726V.
Identifiers: ClinVar variation 1492398 (VCV001492398.3), dbSNP rs779406844, ClinGen allele CA5900827.
Genomic context (GRCh38, chr11:17,114,366, plus strand): 5'-CTTCTTCCTATTATTTTCAAATGTAATATGAACTTATAAGTATTTTATGTGTCACCTTAA[T>C]ATTTAATTCTTTTGCCACTAGACTTGGCTTGAGAGGGAGACGGCATTTATTTTTCTGAAA-3'
Protein context (NP_002636.2, residues 1096-1116): KPSLVAKELN[Ile1106Val]KSCSFFSSNA

ClinVar aggregate classification (germline): Uncertain significance (1 of 4 stars; one submission).

Allele frequency attached by ClinVar (database versions not stated): gnomAD exomes below 0.00001 and 0.00001; ExAC 0.00001.
gnomAD v4.1: 2 of 1,439,526 alleles (0.00014%); highest among the groups gnomAD compares: East Asian, 0.0045%; no homozygotes.

Submission:

Labcorp Genetics (formerly Invitae), Labcorp
Classification: Uncertain significance. Last evaluated: 2021-12-03. Review status: criteria provided, single submitter. Criteria: Invitae Variant Classification Sherloc (09022015). Collection method: clinical testing. Allele origin: germline.
Comment: This sequence change replaces isoleucine, which is neutral and non-polar, with valine, which is neutral and non-polar, at codon 1106 of the PIK3C2A protein (p.Ile1106Val). This variant is present in population databases (rs779406844, gnomAD 0.01%). This variant has not been reported in the literature in individuals affected with PIK3C2A-related conditions. Algorithms developed to predict the effect of missense changes on protein structure and function are either unavailable or do not agree on the potential impact of this missense change (SIFT: "Not Available"; PolyPhen-2: "Benign"; Align-GVGD: "Not Available"). In summary, the available evidence is currently insufficient to determine the role of this variant in disease. Therefore, it has been classified as a Variant of Uncertain Significance.